The following is an entry in ClinVar:

ClinVar aggregate classification (germline): Pathogenic/Likely pathogenic. Review status: criteria provided, multiple submitters, no conflicts (2 of 4 stars). 4 submissions from 4 submitters: Pathogenic (2); Likely pathogenic (1). 1 of the submissions does not count toward it. Last evaluated 2025-11-21.

Conditions:
PCNT-related disorder. Also called: PCNT-related condition.
Microcephalic osteodysplastic primordial dwarfism type II (MOPD2). Also called: Microcephalic osteodysplastic primordial dwarfism with tooth abnormalities; MOPD II; OSTEODYSPLASTIC PRIMORDIAL DWARFISM, TYPE II. Identifiers: Orphanet 2637, MedGen C0432246, MONDO:0008872, OMIM 210720.

Submissions (4):

Labcorp Genetics (formerly Invitae), Labcorp
Classification: Pathogenic. Last evaluated: 2025-11-21. Review status: criteria provided, single submitter. Criteria: Invitae Variant Classification Sherloc (09022015). Collection method: clinical testing. Allele origin: germline.
Comment: This sequence change creates a premature translational stop signal (p.Leu1910Glyfs*29) in the PCNT gene. It is expected to result in an absent or disrupted protein product. Loss-of-function variants in PCNT are known to be pathogenic (PMID: 18174396, 22821869). This variant is present in population databases (rs768128082, gnomAD 0.006%). This variant has not been reported in the literature in individuals affected with PCNT-related conditions. ClinVar contains an entry for this variant (Variation ID: 159623). For these reasons, this variant has been classified as Pathogenic.

GeneDx
Classification: Likely pathogenic. Last evaluated: 2024-01-09. Review status: criteria provided, single submitter. Criteria: GeneDx Variant Classification Process June 2021. Collection method: clinical testing. Allele origin: germline. Affected: yes.
Comment: Frameshift variant predicted to result in protein truncation or nonsense mediated decay in a gene for which loss of function is a known mechanism of disease; Not observed at significant frequency in large population cohorts (gnomAD); Has not been previously published as pathogenic or benign to our knowledge

Genetic Services Laboratory, University of Chicago
Classification: Pathogenic for Microcephalic osteodysplastic primordial dwarfism, type II. Last evaluated: 2013-03-05. Review status: criteria provided, single submitter. Criteria: ACMG Guidelines, 2007. Collection method: clinical testing. Allele origin: germline. Inheritance: Autosomal recessive inheritance. Affected: yes.

PreventionGenetics, part of Exact Sciences
Classification: Pathogenic for PCNT-related condition. Last evaluated: 2024-09-05. Review status: no assertion criteria provided. Collection method: clinical testing. Allele origin: germline. Not counted in ClinVar's aggregate classification.
Comment: The PCNT c.5727_5736del10 variant is predicted to result in a frameshift and premature protein termination (p.Leu1910Glyfs*29). To our knowledge, this variant has not been reported in the literature. This variant is reported in 0.0060% of alleles in individuals of Latino descent in gnomAD. Frameshift variants in PCNT are expected to be pathogenic. This variant is interpreted as pathogenic.

Literature cited by the submitters: PubMed 18174396 (cited by Labcorp Genetics (formerly Invitae), Labcorp); PubMed 22821869 (cited by Labcorp Genetics (formerly Invitae), Labcorp).

NM_006031.6(PCNT):c.5727_5736del (p.Leu1910fs)

Gene: PCNT (pericentrin; plus strand). Cytogenetic location: 21q22.3.
Variant type: Deletion.
Coding change: c.5727_5736del on transcript NM_006031.6 (MANE Select); coding-DNA positions 5727 to 5736, 10 bases deleted (CCTGGCAGCC; older notation c.5727_5736delCCTGGCAGCC).
Protein change: p.Leu1910fs; shifts the reading frame from leucine 1910.
Molecular consequence: frameshift variant.
Genome position (GRCh38, 1-based): chr21:46,411,800-46,411,809, CCTGGCAGCC deleted; deleting any 10 consecutive bases within chr21:46,411,794-46,411,809 gives the same sequence; the c. name uses the placement nearest the transcript's 3' end. VCF-style (leftmost placement, unchanged base first): chr21-46411793-AGCAGCCCCTG-A. GRCh37 (hg19) VCF-style: chr21-47831707-AGCAGCCCCTG-A.
Other names: c.5373_5382del, p.Leu1792fs (NM_001315529.2); c.5727_5736del10 (NM_006031.5); short protein forms L1792fs, L1910fs.
Identifiers: ClinVar variation 159623 (VCV000159623.11), dbSNP rs587784312, ClinGen allele CA251089.